The following is an entry in ClinVar:

NC_012920.1(MT-TF):m.619T>C

Gene: MT-TF (mitochondrially encoded tRNA phenylalanine; plus strand).
Variant type: single nucleotide variant.
Genome position: chrM-619-T-C.
Identifiers: ClinVar variation 689819 (VCV000689819.1), dbSNP rs1603218462, ClinGen allele CA913175637.

ClinVar aggregate classification (germline): Benign (1 of 4 stars; one submission).

Conditions:
MELAS syndrome (MELAS). Also called: Juvenile myopathy, encephalopathy, lactic acidosis, stroke. Identifiers: Orphanet 550, MedGen C0162671, MONDO:0010789, OMIM 540000.

Submission:

Wong Mito Lab, Molecular and Human Genetics, Baylor College of Medicine
Classification: Benign for MELAS syndrome. Last evaluated: 2019-07-12. Review status: criteria provided, single submitter. Criteria: Modified ACMG Guidelines (Unpublished). Collection method: clinical testing. Allele origin: germline.
Comment: The NC_012920.1:m.619T>C variant in MT-TF gene is interpreted to be a Benign variant based on the modified ACMG guidelines (unpublished). This variant meets the following evidence codes reported in the guidelines: BS1, BS4, BP4

Literature cited by the submitters: PubMed 31965079.